The following is an entry in ClinVar:

NM_004371.4(COPA):c.3483C>T (p.Asp1161=)

Gene: COPA (coat protein complex I subunit alpha; minus strand). Cytogenetic location: 1q23.2.
Variant type: single nucleotide variant.
Coding change: c.3483C>T on transcript NM_004371.4 (MANE Select); coding-DNA position 3483, C replaced by T.
Protein change: p.Asp1161=; no amino-acid change (aspartic acid 1161 retained).
Molecular consequence: synonymous variant.
Genome position (GRCh38, 1-based): chr1:160,290,624, G>A on the plus strand (C>T on the coding strand, the complement: COPA is on the minus strand). VCF-style: chr1-160290624-G-A. GRCh37 (hg19) VCF-style: chr1-160260414-G-A.
Other names: p.Asp1161=; c.3510C>T, p.Asp1170= (NM_001098398.2).
Identifiers: ClinVar variation 734285 (VCV000734285.15), dbSNP rs376400505, ClinGen allele CA1197610.

ClinVar aggregate classification (germline): Likely benign. Review status: criteria provided, multiple submitters, no conflicts (2 of 4 stars). 4 submissions from 4 submitters: Likely benign (3). 1 of the submissions does not count toward it. Last evaluated 2025-11-14.

Conditions:
COPA-related disorder. Also called: COPA-related condition.
Autoimmune interstitial lung disease-arthritis syndrome. Also called: Autoinflammation and autoimmunity, systemic, with immune dysregulation. Identifiers: Orphanet 444092, MedGen C5975714, MONDO:0014629.

Allele frequency attached by ClinVar (database versions not stated): gnomAD 0.00005 and 0.00007; TOPMed 0.00013; 1000 Genomes Project 30x 0.00016; ExAC 0.00016; gnomAD exomes 0.00019; 1000 Genomes Project 0.00020; ESP Exome Variant Server 0.00023.
gnomAD v4.1: 284 of 1,614,190 alleles (0.018%); highest among the groups gnomAD compares: South Asian, 0.077%; 2 homozygotes.

Submissions (4):

Mayo Clinic Laboratories, Mayo Clinic
Classification: Likely benign. Last evaluated: 2025-11-14. Review status: criteria provided, single submitter. Criteria: ACMG Guidelines, 2015. Collection method: clinical testing. Allele origin: germline. Observed: 1 variant allele.
Comment: BS1, BP4, BP7

Labcorp Genetics (formerly Invitae), Labcorp
Classification: Likely benign for Autoimmune interstitial lung disease-arthritis syndrome. Last evaluated: 2025-10-28. Review status: criteria provided, single submitter. Criteria: Invitae Variant Classification Sherloc (09022015). Collection method: clinical testing. Allele origin: germline.

Blueprint Genetics
Classification: Likely benign. Last evaluated: 2024-08-12. Review status: criteria provided, single submitter. Criteria: ACMG Guidelines, 2015. Collection method: clinical testing. Allele origin: germline.

PreventionGenetics, part of Exact Sciences
Classification: Likely benign for COPA-related condition. Last evaluated: 2019-07-02. Review status: no assertion criteria provided. Collection method: clinical testing. Allele origin: germline. Not counted in ClinVar's aggregate classification.
Comment: This variant is classified as likely benign based on ACMG/AMP sequence variant interpretation guidelines (Richards et al. 2015 PMID: 25741868, with internal and published modifications).